The following is an entry in ClinVar:

NM_001369369.1(FOXN1):c.1425G>A (p.Pro475=)

Gene: FOXN1 (forkhead box N1; plus strand). Cytogenetic location: 17q11.2.
Variant type: single nucleotide variant.
Coding change: c.1425G>A on transcript NM_001369369.1 (MANE Select); coding-DNA position 1425, G replaced by A.
Protein change: p.Pro475=; no amino-acid change (proline 475 retained).
Molecular consequence: synonymous variant.
Genome position (GRCh38, 1-based): chr17:28,534,996, G>A. VCF-style: chr17-28534996-G-A. GRCh37 (hg19) VCF-style: chr17-26862014-G-A.
Other names: c.1425G>A, p.Pro475= (NM_003593.3).
Identifiers: ClinVar variation 390082 (VCV000390082.14), dbSNP rs115771646, ClinGen allele CA8459524.

ClinVar aggregate classification (germline): Benign/Likely benign. Review status: criteria provided, multiple submitters, no conflicts (2 of 4 stars). 3 submissions from 3 submitters: Benign (2); Likely benign (1). Last evaluated 2026-02-02.

Conditions:
T-cell immunodeficiency, congenital alopecia, and nail dystrophy. Also called: Congenital alopecia and nail dystrophy associated with severe functional T-cell immunodeficiency; Pignata Guarino syndrome. Identifiers: Orphanet 169095, MedGen C1866426, MONDO:0011132, OMIM 601705.

Allele frequency attached by ClinVar (database versions not stated): gnomAD exomes 0.00054 and 0.00140; ExAC 0.00167; 1000 Genomes Project 0.00439; 1000 Genomes Project 30x 0.00453; gnomAD 0.00552 and 0.00591; TOPMed 0.00622; ESP Exome Variant Server 0.00638.
gnomAD v4.1: 1,663 of 1,613,958 alleles (0.1%); highest among the groups gnomAD compares: African/African-American, 1.8%; 19 homozygotes.

Submissions (3):

Labcorp Genetics (formerly Invitae), Labcorp
Classification: Benign for T-cell immunodeficiency, congenital alopecia, and nail dystrophy. Last evaluated: 2026-02-02. Review status: criteria provided, single submitter. Criteria: Invitae Variant Classification Sherloc (09022015). Collection method: clinical testing. Allele origin: germline.

Illumina Laboratory Services, Illumina
Classification: Benign for T-cell immunodeficiency, congenital alopecia, and nail dystrophy. Last evaluated: 2018-01-13. Review status: criteria provided, single submitter. Criteria: ICSL Variant Classification Criteria 13 December 2019. Collection method: clinical testing. Allele origin: germline.
Comment: This variant was observed in the ICSL laboratory as part of a predisposition screen in an ostensibly healthy population. It had not been previously curated by ICSL or reported in the Human Gene Mutation Database (HGMD: prior to June 1st, 2018), and was therefore a candidate for classification through an automated scoring system. Utilizing variant allele frequency, disease prevalence and penetrance estimates, and inheritance mode, an automated score was calculated to assess if this variant is too frequent to cause the disease. Based on the score and internal cut-off values, a variant classified as benign is not then subjected to further curation. The score for this variant resulted in a classification of benign for this disease.

GeneDx
Classification: Likely benign. Last evaluated: 2017-09-01. Review status: criteria provided, single submitter. Criteria: GeneDx Variant Classification (06012015). Collection method: clinical testing. Allele origin: germline. Affected: yes.
Comment: This variant is considered likely benign or benign based on one or more of the following criteria: it is a conservative change, it occurs at a poorly conserved position in the protein, it is predicted to be benign by multiple in silico algorithms, and/or has population frequency not consistent with disease.